The following is an entry in ClinVar:

ClinVar aggregate classification (germline): Benign. Review status: reviewed by expert panel (3 of 4 stars). 3 submissions from 3 submitters: Benign (1). 2 of the submissions do not count toward it. Last evaluated 2023-08-10.

Conditions:
CDH1-related diffuse gastric and lobular breast cancer syndrome. Also called: CDH1-related diffuse gastric and lobular breast cancer. Identifiers: MedGen CN311521, MONDO:0100488.
Hereditary diffuse gastric adenocarcinoma (HDGC). Also called: DIFFUSE GASTRIC AND LOBULAR BREAST CANCER SYNDROME. Identifiers: Orphanet 26106, MedGen C1708349, MONDO:0007648, OMIM 137215.

Allele frequency attached by ClinVar (database versions not stated): gnomAD exomes 0.00881; gnomAD 0.01925 and 0.02011; 1000 Genomes Project 0.02097; TOPMed 0.02216; 1000 Genomes Project 30x 0.02249.
gnomAD v4.1: 5,578 of 438,914 alleles (1.3%); highest among the groups gnomAD compares: Middle Eastern, 12%; 122 homozygotes.

Submissions (3):

Clingen Gastric Cancer Variant Curation Expert Panel
Classification: Benign for CDH1-related diffuse gastric and lobular breast cancer syndrome. Last evaluated: 2023-08-10. Review status: reviewed by expert panel. Criteria: ClinGen CDH1 ACMG Specifications V3.1. Collection method: curation. Allele origin: germline. Inheritance: Autosomal dominant inheritance.
Comment: The NM_004360.5(CDH1):c.*621C>T variant has an allele frequency of 0.04730 (4.73%, 411/8690 alleles, 8 homozygotes) in the African subpopulation of the gnomAD v2.1.1 cohort (BA1; BP2). Therefore, this variant meets criteria to be classified as benign. ACMG/AMP criteria applied, as specified by the CDH1 Variant Curation Expert Panel (Variant Interpretation Guidelines Version 3.1): BA1, BP2.

Illumina Laboratory Services, Illumina
Classification: Benign for Hereditary diffuse gastric adenocarcinoma. Last evaluated: 2018-01-13. Review status: criteria provided, single submitter. Criteria: ICSL Variant Classification Criteria 13 December 2019. Collection method: clinical testing. Allele origin: germline. Not counted in ClinVar's aggregate classification.
Comment: This variant was observed in the ICSL laboratory as part of a predisposition screen in an ostensibly healthy population. It had not been previously curated by ICSL or reported in the Human Gene Mutation Database (HGMD: prior to June 1st, 2018), and was therefore a candidate for classification through an automated scoring system. Utilizing variant allele frequency, disease prevalence and penetrance estimates, and inheritance mode, an automated score was calculated to assess if this variant is too frequent to cause the disease. Based on the score and internal cut-off values, a variant classified as benign is not then subjected to further curation. The score for this variant resulted in a classification of benign for this disease.

Breakthrough Genomics
Classification: Benign. Review status: criteria provided, single submitter. Criteria: ACMG Guidelines, 2015. Collection method: not provided. Allele origin: germline. Inheritance: Autosomal dominant inheritance. Affected: yes. Not counted in ClinVar's aggregate classification.

NM_004360.5(CDH1):c.*621C>T

Gene: CDH1 (cadherin 1; plus strand). Cytogenetic location: 16q22.1.
Variant type: single nucleotide variant.
Coding change: c.*621C>T on transcript NM_004360.5 (MANE Select); 621 bases downstream of the stop codon, C replaced by T.
Molecular consequence: 3 prime UTR variant.
Genome position (GRCh38, 1-based): chr16:68,834,120, C>T. VCF-style: chr16-68834120-C-T. GRCh37 (hg19) VCF-style: chr16-68868023-C-T.
Other names: c.*621C>T (NM_001317184.2, NM_001317185.2, NM_001317186.2 and 1 more transcripts).
Identifiers: ClinVar variation 320283 (VCV000320283.9), dbSNP rs33956791, ClinGen allele CA10648798.